The following is an entry in ClinVar:

NM_000182.5(HADHA):c.2229_2233dup (p.Thr745fs)

Genes: GAREM2 (GRB2 associated regulator of MAPK1 subtype 2; plus strand), HADHA (hydroxyacyl-CoA dehydrogenase trifunctional multienzyme complex subunit alpha; minus strand). Cytogenetic location: 2p23.3.
Variant type: Duplication.
Coding change: c.2229_2233dup on transcript NM_000182.5 (MANE Select); coding-DNA positions 2229 to 2233, 5 bases duplicated (GTTCA; older notation c.2229_2233dupGTTCA).
Protein change: p.Thr745fs; shifts the reading frame from threonine 745.
Molecular consequence: frameshift variant.
Genome position (GRCh38, 1-based): chr2:26,191,309-26,191,313, TGAAC duplicated on the plus strand (GTTCA on the coding strand, the reverse complement: HADHA is on the minus strand); duplicating any 5 consecutive bases within chr2:26,191,309-26,191,315 gives the same sequence; the c. name uses the placement nearest the transcript's 3' end. VCF-style (leftmost placement, unchanged base first): chr2-26191308-G-GTGAAC. GRCh37 (hg19) VCF-style: chr2-26414177-G-GTGAAC.
Other names: short protein forms T745fs.
Identifiers: ClinVar variation 1994049 (VCV001994049.4), dbSNP rs2465504793, ClinGen allele CA2580066146.

ClinVar aggregate classification (germline): Likely pathogenic (1 of 4 stars; one submission).

Conditions:
Long chain 3-hydroxyacyl-CoA dehydrogenase deficiency. Also called: LCHAD Deficiency; Deficiency of long-chain 3-hydroxyacyl-coenzyme A dehydrogenase. Identifiers: Orphanet 5, MedGen C3711645, MONDO:0012173, OMIM 609016.
Mitochondrial trifunctional protein deficiency. Identifiers: Orphanet 746, MedGen C1969443, MONDO:0012172.

Submission:

Labcorp Genetics (formerly Invitae), Labcorp
Classification: Likely pathogenic for Mitochondrial trifunctional protein deficiency; Long chain 3-hydroxyacyl-CoA dehydrogenase deficiency. Last evaluated: 2022-07-05. Review status: criteria provided, single submitter. Criteria: Invitae Variant Classification Sherloc (09022015). Collection method: clinical testing. Allele origin: germline.
Comment: In summary, the currently available evidence indicates that the variant is pathogenic, but additional data are needed to prove that conclusively. Therefore, this variant has been classified as Likely Pathogenic. This premature translational stop signal has been observed in individual(s) with clinical features of long-chain 3-hydroxyacyl-CoA dehydrogenase deficiency (Invitae). In at least one individual the data is consistent with being in trans (on the opposite chromosome) from a pathogenic variant. This variant is not present in population databases (gnomAD no frequency). This sequence change creates a premature translational stop signal (p.Thr745Serfs*8) in the HADHA gene. While this is not anticipated to result in nonsense mediated decay, it is expected to disrupt the last 19 amino acid(s) of the HADHA protein.